The following is an entry in ClinVar:

NM_001199107.2(TBC1D24):c.715del (p.Val239fs)

Gene: TBC1D24 (TBC1 domain family member 24; plus strand). Cytogenetic location: 16p13.3.
Variant type: Deletion.
Coding change: c.715del on transcript NM_001199107.2 (MANE Select); coding-DNA position 715, one base deleted (G; older notation c.715delG).
Protein change: p.Val239fs; shifts the reading frame from valine 239.
Molecular consequence: frameshift variant.
Genome position (GRCh38, 1-based): chr16:2,496,863, G deleted; the last of 2 consecutive G bases (chr16:2,496,862-2,496,863); deleting either gives the same sequence. VCF-style (leftmost placement, unchanged base first): chr16-2496861-AG-A. GRCh37 (hg19) VCF-style: chr16-2546862-AG-A.
Other names: c.715del, p.Val239fs (NM_020705.3); short protein forms V239fs.
Identifiers: ClinVar variation 1072207 (VCV001072207.2), dbSNP rs2141872348, ClinGen allele CA2499223459.

ClinVar aggregate classification (germline): Pathogenic (1 of 4 stars; one submission).

Conditions:
Caused by mutation in the TBC1 domain family, member 24.
Developmental and epileptic encephalopathy, 1 (DEE1). Also called: X-linked infantile spasms; West's syndrome; Tonic spasms with clustering, arrest of psychomotor development and hypsarrhythmia on EEG; X-Linked Infantile Spasm Syndrome; OHTAHARA SYNDROME, X-LINKED; Epileptic encephalopathy, early infantile, 1. Identifiers: MedGen C3463992, MONDO:0010632, OMIM 308350. Disease mechanism: loss of function.
Autosomal dominant nonsyndromic hearing loss 65. Also called: Deafness, autosomal dominant 65; TBC1D24-Related Autosomal Dominant Nonsyndromic Hearing Loss (DFNA). Identifiers: Orphanet 90635, MedGen C3892048, MONDO:0014470, OMIM 616044.

Submission:

Labcorp Genetics (formerly Invitae), Labcorp
Classification: Pathogenic for Developmental and epileptic encephalopathy, 1; Autosomal dominant nonsyndromic hearing loss 65. Last evaluated: 2020-09-24. Review status: criteria provided, single submitter. Criteria: Invitae Variant Classification Sherloc (09022015). Collection method: clinical testing. Allele origin: germline.
Comment: This sequence change creates a premature translational stop signal (p.Val239Cysfs*16) in the TBC1D24 gene. It is expected to result in an absent or disrupted protein product. This variant is not present in population databases (ExAC no frequency). This variant has not been reported in the literature in individuals with TBC1D24-related conditions. Loss-of-function variants in TBC1D24 are known to be pathogenic (PMID: 23526554, 24291220). For these reasons, this variant has been classified as Pathogenic.

Literature cited by the submitters: PubMed 23526554; PubMed 24291220.